The following is an entry in ClinVar:

ClinVar aggregate classification (germline): Likely pathogenic. Review status: criteria provided, multiple submitters, no conflicts (2 of 4 stars). 6 submissions from 6 submitters: Likely pathogenic (6). Last evaluated 2026-09-14.

Conditions:
Fanconi anemia (FA). Also called: Fanconi's anemia. Identifiers: Orphanet 84, MedGen C0015625, MeSH D005199, MONDO:0019391.
Fanconi anemia complementation group D2. Also called: FANCD2-Related Fanconi Anemia; FANCONI PANCYTOPENIA, TYPE 4; FANCONI ANEMIA, COMPLEMENTATION GROUP D. Identifiers: Orphanet 84, MedGen C3160738, MONDO:0009214, OMIM 227646.
FANCD2-related disorder. Also called: FANCD2-related condition.

gnomAD v4.1: 5 of 1,596,942 alleles (0.00031%); highest among the groups gnomAD compares: East Asian, 0.0022%; no homozygotes.

Submissions (6):

PreventionGenetics, part of Exact Sciences
Classification: Likely pathogenic for FANCD2-related condition. Last evaluated: 2026-09-14. Review status: criteria provided, single submitter. Criteria: ACMG Guidelines, 2015. Collection method: clinical testing. Allele origin: germline.
Comment: The FANCD2 c.3224+1G>T variant is predicted to disrupt the GT donor site and interfere with normal splicing. To our knowledge, this variant has not been reported in the literature or in a large population database (gnomAD), indicating this variant is rare. Variants that disrupt the consensus splice donor site in FANCD2 are expected to be pathogenic. This variant is interpreted as likely pathogenic.

Labcorp Genetics (formerly Invitae), Labcorp
Classification: Likely pathogenic for Fanconi anemia. Last evaluated: 2025-08-17. Review status: criteria provided, single submitter. Criteria: Invitae Variant Classification Sherloc (09022015). Collection method: clinical testing. Allele origin: germline.
Comment: This sequence change affects a donor splice site in intron 32 of the FANCD2 gene. It is expected to disrupt RNA splicing. Variants that disrupt the donor or acceptor splice site typically lead to a loss of protein function (PMID: 16199547), and loss-of-function variants in FANCD2 are known to be pathogenic (PMID: 17436244). This variant is not present in population databases (gnomAD no frequency). Disruption of this splice site has been observed in individual(s) with clinical features of Fanconi anemia (internal data). ClinVar contains an entry for this variant (Variation ID: 809378). Algorithms developed to predict the effect of sequence changes on RNA splicing suggest that this variant may disrupt the consensus splice site. In summary, the currently available evidence indicates that the variant is pathogenic, but additional data are needed to prove that conclusively. Therefore, this variant has been classified as Likely Pathogenic.

Baylor Genetics
Classification: Likely pathogenic for Fanconi anemia complementation group D2. Last evaluated: 2024-02-12. Review status: criteria provided, single submitter. Criteria: ACMG Guidelines, 2015. Collection method: clinical testing. Allele origin: unknown.

Fulgent Genetics
Classification: Likely pathogenic for Fanconi anemia complementation group D2. Last evaluated: 2021-09-14. Review status: criteria provided, single submitter. Criteria: ACMG Guidelines, 2015. Collection method: clinical testing. Allele origin: unknown.

CeGaT Center for Human Genetics Tuebingen
Classification: Likely pathogenic. Last evaluated: 2019-06-01. Review status: criteria provided, single submitter. Criteria: CeGaT Center For Human Genetics Tuebingen Variant Classification Criteria Version 2. Collection method: clinical testing. Allele origin: germline. Affected: yes. Observed: 1 variant allele.

Revvity Omics, Revvity
Classification: Likely pathogenic for Fanconi anemia complementation group D2. Last evaluated: 2019-04-23. Review status: criteria provided, single submitter. Criteria: ACMG Guidelines, 2015. Collection method: clinical testing. Allele origin: germline.

Literature cited by the submitters: PubMed 16199547 (cited by Labcorp Genetics (formerly Invitae), Labcorp); PubMed 17436244 (cited by Labcorp Genetics (formerly Invitae), Labcorp).

NM_001018115.3(FANCD2):c.3224+1G>T

Genes: FANCD2 (FA complementation group D2; plus strand), FANCD2OS (FANCD2 opposite strand; minus strand). Cytogenetic location: 3p25.3.
Variant type: single nucleotide variant.
Coding change: c.3224+1G>T on transcript NM_001018115.3 (MANE Select); the canonical splice donor site of the intron after coding-DNA position 3224, G replaced by T.
Molecular consequence: splice donor variant. On other transcripts: 3 prime UTR variant (1).
Genome position (GRCh38, 1-based): chr3:10,081,465, G>T. VCF-style: chr3-10081465-G-T. GRCh37 (hg19) VCF-style: chr3-10123149-G-T.
Other names: c.3224+1G>T (NM_001018115.2, NM_001319984.2, NM_033084.6 and 1 more transcripts); c.*110C>A (NM_173472.2); c.3113+1G>T (NM_001374253.1).
Identifiers: ClinVar variation 809378 (VCV000809378.53), dbSNP rs1468320596, ClinGen allele CA351749153.